The following is an entry in ClinVar:

ClinVar aggregate classification (germline): Pathogenic (1 of 4 stars; one submission).

Allele frequency attached by ClinVar (database versions not stated): TOPMed below 0.00001; gnomAD exomes 0.00001.

Submission:

Labcorp Genetics (formerly Invitae), Labcorp
Classification: Pathogenic. Last evaluated: 2025-02-27. Review status: criteria provided, single submitter. Criteria: Invitae Variant Classification Sherloc (09022015). Collection method: clinical testing. Allele origin: germline.
Comment: This sequence change creates a premature translational stop signal (p.Tyr237*) in the TSFM gene. While this is not anticipated to result in nonsense mediated decay, it is expected to disrupt the last 110 amino acid(s) of the TSFM protein. This variant is not present in population databases (gnomAD no frequency). This variant has not been reported in the literature in individuals affected with TSFM-related conditions. ClinVar contains an entry for this variant (Variation ID: 1418980). This variant disrupts a region of the TSFM protein in which other variant(s) (p.Gln324Argfs*11) have been determined to be pathogenic (internal data). This suggests that this is a clinically significant region of the protein, and that variants that disrupt it are likely to be disease-causing. For these reasons, this variant has been classified as Pathogenic.

NM_005726.6(TSFM):c.647dup (p.Tyr216Ter)

Gene: TSFM (Ts translation elongation factor, mitochondrial; plus strand). Cytogenetic location: 12q14.1.
Variant type: Duplication.
Coding change: c.647dup on transcript NM_005726.6 (MANE Select); coding-DNA position 647, one base duplicated (A; older notation c.647dupA).
Protein change: p.Tyr216Ter; replaces tyrosine 216 with a stop codon.
Molecular consequence: nonsense. On other transcripts: 3 prime UTR variant (1), intron variant (1).
Genome position (GRCh38, 1-based): chr12:57,796,252, A duplicated. VCF-style (leftmost placement, unchanged base first): chr12-57796251-T-TA. GRCh37 (hg19) VCF-style: chr12-58190034-T-TA.
Other names: c.*55dup (NM_001172695.2); c.710dup, p.Tyr237Ter (NM_001172696.2); c.571+3179dup (NM_001172697.2); short protein forms Y216*, Y237*.
Identifiers: ClinVar variation 1418980 (VCV001418980.6), dbSNP rs1955736908, ClinGen allele CA2039028561.
Genomic context (GRCh38, chr12:57,796,251, plus strand): 5'-AACATGATTCTTAAACGAGCTGCATGGGTGAAGGTGCCATCTGGGTTCTACGTTGGCTCT[T>TA]ATGTCCACGGAGCAATGCAGAGTCCCTCACTTCACAAGCTGGTGCTGGGGAAGTATGGGG-3'